The following is an entry in ClinVar:

ClinVar aggregate classification (germline): not provided (0 of 4 stars; one submission).

Conditions:
Familial long QT syndrome (RWS). Also called: Congenital long QT syndrome; Romano-Ward syndrome; VENTRICULAR FIBRILLATION WITH PROLONGED QT INTERVAL. Identifiers: Orphanet 768, MedGen C1141890, MONDO:0019171.

Submission:

Cardiovascular Biomedical Research Unit, Royal Brompton & Harefield NHS Foundation Trust
No classification provided. Condition: Familial long QT syndrome. Review status: no classification provided. Collection method: literature only. Allele origin: germline.
Comment: This variant has been reported as associated with Long QT syndrome in the following publications (PMID:19716085). This is a literature report, and does not necessarily reflect the clinical interpretation of the Imperial College / Royal Brompton Cardiovascular Genetics laboratory.

Literature cited by the submitters: PubMed 19716085; PubMed 22581653.

NM_000238.4(KCNH2):c.1693G>A (p.Ala565Thr)

Gene: KCNH2 (potassium voltage-gated channel subfamily H member 2; minus strand). Cytogenetic location: 7q36.1.
Variant type: single nucleotide variant.
Coding change: c.1693G>A on transcript NM_000238.4 (MANE Select); coding-DNA position 1693, G replaced by A.
Protein change: p.Ala565Thr; replaces alanine 565 with threonine.
Molecular consequence: missense variant.
Genome position (GRCh38, 1-based): chr7:150,951,700, C>T on the plus strand (G>A on the coding strand, the complement: KCNH2 is on the minus strand). VCF-style: chr7-150951700-C-T. GRCh37 (hg19) VCF-style: chr7-150648788-C-T.
Other names: c.1693G>A (LRG_288t1); c.673G>A, p.Ala225Thr (NM_001204798.2, NM_172057.3); c.1405G>A, p.Ala469Thr (NM_001406753.1, NM_001406756.1); c.1516G>A, p.Ala506Thr (NM_001406755.1); c.1393G>A, p.Ala465Thr (NM_001406757.1); c.1693G>A, p.Ala565Thr (NM_172056.3); short protein forms A225T, A565T, A465T, A469T, A506T.
Identifiers: ClinVar variation 67236 (VCV000067236.3), dbSNP rs199473518, ClinGen allele CA005112.